The following is an entry in ClinVar:

NM_004415.4(DSP):c.6823T>C (p.Tyr2275His)

Gene: DSP (desmoplakin; plus strand). Cytogenetic location: 6p24.3.
Variant type: single nucleotide variant.
Coding change: c.6823T>C on transcript NM_004415.4 (MANE Select); coding-DNA position 6823, T replaced by C.
Protein change: p.Tyr2275His; replaces tyrosine 2275 with histidine.
Molecular consequence: missense variant.
Genome position (GRCh38, 1-based): chr6:7,584,085, T>C. VCF-style: chr6-7584085-T-C. GRCh37 (hg19) VCF-style: chr6-7584318-T-C.
Other names: c.5026T>C, p.Tyr1676His (NM_001008844.3); c.5494T>C, p.Tyr1832His (NM_001319034.2); short protein forms Y1676H, Y1832H, Y2275H.
Identifiers: ClinVar variation 3072741 (VCV003072741.1), dbSNP rs1759548440, ClinGen allele CA362691634.

ClinVar aggregate classification (germline): Uncertain significance (1 of 4 stars; one submission).

Conditions:
Arrhythmogenic cardiomyopathy with wooly hair and keratoderma. Also called: PALMOPLANTAR KERATODERMA WITH LEFT VENTRICULAR CARDIOMYOPATHY AND WOOLLY HAIR; Carvajal syndrome; Dilated cardiomyopathy with woolly hair and keratoderma; Arrhythmogenic cardiomyopathy with woolly hair and keratoderma. Identifiers: Orphanet 65282, MedGen C1854063, MONDO:0011581, OMIM 605676.

Allele frequency attached by ClinVar (database versions not stated): TOPMed below 0.00001.

Submission:

All of Us Research Program, National Institutes of Health
Classification: Uncertain significance for Arrhythmogenic cardiomyopathy with wooly hair and keratoderma. Last evaluated: 2023-08-15. Review status: criteria provided, single submitter. Criteria: ACMG Guidelines, 2015. Collection method: clinical testing. Allele origin: germline. Inheritance: Autosomal dominant inheritance. Observed: 1 variant allele, 1 heterozygote.
Comment: This study involves interpretation of variants in research participants for the purpose of population health screening. Participant phenotype was not available at the time of variant classification. Additional details can be found in publication PMID: 35346344, PMCID: PMC8962531